The following is an entry in ClinVar:

NM_001384732.1(CPLANE1):c.3770C>A (p.Ala1257Asp)

Gene: CPLANE1 (ciliogenesis and planar polarity effector complex subunit 1; minus strand). Cytogenetic location: 5p13.2.
Variant type: single nucleotide variant.
Coding change: c.3770C>A on transcript NM_001384732.1 (MANE Select); coding-DNA position 3770, C replaced by A.
Protein change: p.Ala1257Asp; replaces alanine 1257 with aspartic acid.
Molecular consequence: missense variant.
Genome position (GRCh38, 1-based): chr5:37,195,899, G>T on the plus strand (C>A on the coding strand, the complement: CPLANE1 is on the minus strand). VCF-style: chr5-37195899-G-T. GRCh37 (hg19) VCF-style: chr5-37196001-G-T.
Other names: c.3770C>A, p.Ala1257Asp (NM_023073.4); c.3770C>A (NM_023073.3); short protein forms A1257D.
Identifiers: ClinVar variation 1425484 (VCV001425484.7), dbSNP rs527328313, ClinGen allele CA3238862.

ClinVar aggregate classification (germline): Uncertain significance. Review status: criteria provided, multiple submitters, no conflicts (2 of 4 stars). 3 submissions from 3 submitters: Uncertain significance (3). Last evaluated 2024-05-23.

Conditions:
Joubert syndrome 17 (JBTS17). Identifiers: Orphanet 475, MedGen C3553264, MONDO:0013824, OMIM 614615.
Orofaciodigital syndrome type 6 (OFD6). Also called: OROFACIODIGITAL SYNDROME VI; OFDS VI; POLYDACTYLY, CLEFT LIP/PALATE OR LINGUAL LUMP, AND PSYCHOMOTOR RETARDATION; VARADI SYNDROME; VARADI-PAPP SYNDROME; Oral-facial-digital syndrome type 6. Identifiers: Orphanet 2754, MedGen C2745997, MONDO:0010176, OMIM 277170.

Allele frequency attached by ClinVar (database versions not stated): ExAC 0.00001; gnomAD 0.00001; gnomAD exomes 0.00002; 1000 Genomes Project 30x 0.00016; 1000 Genomes Project 0.00020.
gnomAD v4.1: 8 of 1,613,294 alleles (0.0005%); highest among the groups gnomAD compares: East Asian, 0.016%; no homozygotes.

Submissions (3):

Blueprint Genetics
Classification: Uncertain significance. Last evaluated: 2024-05-23. Review status: criteria provided, single submitter. Criteria: ACMG Guidelines, 2015. Collection method: clinical testing. Allele origin: germline.

Fulgent Genetics
Classification: Uncertain significance for Orofaciodigital syndrome type 6; Joubert syndrome 17. Last evaluated: 2024-04-09. Review status: criteria provided, single submitter. Criteria: ACMG Guidelines, 2015. Collection method: clinical testing. Allele origin: germline.

Labcorp Genetics (formerly Invitae), Labcorp
Classification: Uncertain significance. Last evaluated: 2021-09-01. Review status: criteria provided, single submitter. Criteria: Invitae Variant Classification Sherloc (09022015). Collection method: clinical testing. Allele origin: germline.
Comment: This sequence change replaces alanine with aspartic acid at codon 1257 of the CPLANE1 protein (p.Ala1257Asp). The alanine residue is weakly conserved and there is a moderate physicochemical difference between alanine and aspartic acid. This variant is present in population databases (rs527328313, ExAC 0.01%). This variant has not been reported in the literature in individuals affected with CPLANE1-related conditions. Algorithms developed to predict the effect of missense changes on protein structure and function are either unavailable or do not agree on the potential impact of this missense change (SIFT: "Deleterious"; PolyPhen-2: "Benign"; Align-GVGD: "Class C0"). In summary, the available evidence is currently insufficient to determine the role of this variant in disease. Therefore, it has been classified as a Variant of Uncertain Significance.